The following is an entry in ClinVar:

NM_001040142.2(SCN2A):c.737A>G (p.Lys246Arg)

Gene: SCN2A (sodium voltage-gated channel alpha subunit 2; plus strand). Cytogenetic location: 2q24.3.
Variant type: single nucleotide variant.
Coding change: c.737A>G on transcript NM_001040142.2 (MANE Select); coding-DNA position 737, A replaced by G.
Protein change: p.Lys246Arg; replaces lysine 246 with arginine.
Molecular consequence: missense variant.
Genome position (GRCh38, 1-based): chr2:165,310,362, A>G. VCF-style: chr2-165310362-A-G. GRCh37 (hg19) VCF-style: chr2-166166872-A-G.
Other names: c.737A>G, p.Lys246Arg (NM_001040143.2, NM_001371246.1, NM_001371247.1 and 1 more transcripts); short protein forms K246R.
Identifiers: ClinVar variation 1349366 (VCV001349366.6), dbSNP rs746181150, ClinGen allele CA59728709.

ClinVar aggregate classification (germline): Uncertain significance (1 of 4 stars; one submission).

Conditions:
Seizures, benign familial infantile, 3 (BFIS3). Also called: Familial neonatal seizures; CONVULSIONS, BENIGN FAMILIAL INFANTILE, 3. Identifiers: Orphanet 140927, Orphanet 306, MedGen C1843140, MONDO:0011904, OMIM 607745.
Developmental and epileptic encephalopathy, 11 (DEE11). Also called: Early infantile epileptic encephalopathy 11. Identifiers: Orphanet 1934, MedGen C3150987, MONDO:0013388, OMIM 613721.

Allele frequency attached by ClinVar (database versions not stated): gnomAD exomes 0.00001.
gnomAD v4.1: 10 of 1,613,636 alleles (0.00062%); highest among the groups gnomAD compares: Non-Finnish European, 0.00085%; no homozygotes.

Submission:

Labcorp Genetics (formerly Invitae), Labcorp
Classification: Uncertain significance for Seizures, benign familial infantile, 3; Developmental and epileptic encephalopathy, 11. Last evaluated: 2022-08-31. Review status: criteria provided, single submitter. Criteria: Invitae Variant Classification Sherloc (09022015). Collection method: clinical testing. Allele origin: germline.
Comment: In summary, the available evidence is currently insufficient to determine the role of this variant in disease. Therefore, it has been classified as a Variant of Uncertain Significance. Algorithms developed to predict the effect of missense changes on protein structure and function are either unavailable or do not agree on the potential impact of this missense change (SIFT: "Deleterious"; PolyPhen-2: "Probably Damaging"; Align-GVGD: "Class C0"). ClinVar contains an entry for this variant (Variation ID: 1349366). This variant has not been reported in the literature in individuals affected with SCN2A-related conditions. This variant is not present in population databases (gnomAD no frequency). This sequence change replaces lysine, which is basic and polar, with arginine, which is basic and polar, at codon 246 of the SCN2A protein (p.Lys246Arg).